The following is an entry in ClinVar:

ClinVar aggregate classification (germline): Uncertain significance (1 of 4 stars; one submission).

Submission:

GeneDx
Classification: Uncertain significance. Last evaluated: 2019-01-23. Review status: criteria provided, single submitter. Criteria: GeneDx Variant Classification Process June 2021. Collection method: clinical testing. Allele origin: germline. Affected: yes.
Comment: Not observed in large population cohorts (Lek et al., 2016); Located in a region that tolerates variation and lacks pathogenic variants; Has not been previously reported as pathogenic or benign to our knowledge; In-silico analysis, which includes splice predictors and evolutionary conservation, is inconclusive as to whether the variant alters gene splicing. In the absence of RNA/functional studies, the actual effect of this sequence change is unknown

NM_001042492.3(NF1):c.1722-24_1722-12del

Gene: NF1 (neurofibromin 1; plus strand). Cytogenetic location: 17q11.2.
Variant type: Deletion.
Coding change: c.1722-24_1722-12del on transcript NM_001042492.3 (MANE Select); 24 bases into the intron before coding-DNA position 1722 through 12 bases into the intron before coding-DNA position 1722, 13 bases deleted (ACAATGAACTTTA).
Molecular consequence: intron variant.
Genome position (GRCh38, 1-based): chr17:31,223,420-31,223,432, ACAATGAACTTTA deleted; deleting any 13 consecutive bases within chr17:31,223,418-31,223,432 gives the same sequence; the c. name uses the placement nearest the transcript's 3' end. VCF-style (leftmost placement, unchanged base first): chr17-31223417-GTAACAATGAACTT-G. GRCh37 (hg19) VCF-style: chr17-29550435-GTAACAATGAACTT-G.
Other names: c.1722-24_1722-12del (NM_000267.4).
Identifiers: ClinVar variation 1318867 (VCV001318867.2), dbSNP rs2144014907, ClinGen allele CA2573054376.
Genomic context (GRCh38, chr17:31,223,417, plus strand): 5'-TTATGGGAGAATGCCATTCTTATGTCTGGTTATATCTGCATTAGGTTATTGATGATGCTA[GTAACAATGAACTT>G]TATGTTACTGCAGCTCACAAATGCTTTTTTACATCTGCAAGAAATTAACTAGTCATCAAA-3'